The following is an entry in ClinVar:

NM_000551.4(VHL):c.524A>G (p.Tyr175Cys)

Genes: VHL (von Hippel-Lindau tumor suppressor; plus strand), LOC107303340 (3p25 von Hippel-Lindau tumor suppressor, E3 ubiquitin protein ligase Alu-mediated recombination region; plus strand). Cytogenetic location: 3p25.3.
Variant type: single nucleotide variant.
Coding change: c.524A>G on transcript NM_000551.4 (MANE Select); coding-DNA position 524, A replaced by G.
Protein change: p.Tyr175Cys; replaces tyrosine 175 with cysteine.
Molecular consequence: missense variant. On other transcripts: 3 prime UTR variant (1).
Genome position (GRCh38, 1-based): chr3:10,149,847, A>G. VCF-style: chr3-10149847-A-G. GRCh37 (hg19) VCF-style: chr3-10191531-A-G.
Other names: c.*78A>G (NM_001354723.2); c.401A>G, p.Tyr134Cys (NM_198156.3); short protein forms Y175C, Y134C.
Identifiers: ClinVar variation 36905 (VCV000036905.18), dbSNP rs193922613, ClinGen allele CA020462.

ClinVar aggregate classification (germline): Pathogenic/Likely pathogenic. Review status: criteria provided, multiple submitters, no conflicts (2 of 4 stars). 5 submissions from 5 submitters: Pathogenic (3); Likely pathogenic (2). Last evaluated 2025-05-05.

Conditions:
Hereditary cancer-predisposing syndrome. Also called: Neoplastic Syndromes, Hereditary; Hereditary neoplastic syndrome; Tumor predisposition; Hereditary Cancer Syndrome. Identifiers: Orphanet 140162, MedGen C0027672, MeSH D009386, MONDO:0015356.
Von Hippel-Lindau syndrome (VHLS). Also called: von Hippel–Lindau syndrome; VHL syndrome; Von Hippel-Lindau. Identifiers: Orphanet 892, MedGen C0019562, MONDO:0008667, OMIM 193300. Disease mechanism: loss of function.
Chuvash polycythemia. Also called: POLYCYTHEMIA, VHL-DEPENDENT. Identifiers: Orphanet 238557, MedGen C1837915, MONDO:0009892, OMIM 263400.

Allele frequency attached by ClinVar (database versions not stated): gnomAD 0.00001; TOPMed 0.00001.
gnomAD v4.1: 1 of 1,614,106 alleles (0.000062%); highest among the groups gnomAD compares: Non-Finnish European, 0.000085%; no homozygotes.

Submissions (5):

Quest Diagnostics Nichols Institute San Juan Capistrano
Classification: Pathogenic. Last evaluated: 2025-05-05. Review status: criteria provided, single submitter. Criteria: Quest Diagnostics criteria. Collection method: clinical testing. Allele origin: unknown.
Comment: The VHL c.524A>G (p.Tyr175Cys) variant has been reported in individuals with pheochromocytoma/paraganglioma (PMIDs: 39545024 (2024), 34439168 (2021), 30105105 (2018), 23660872 (2013), 14722919 (2004)), retinal hemangioblastoma (PMID: 34566400 (2021)), polycythemia/erythrocytosis with ataxia-telangiectasia (PMID: 15642680 (2005)), and breast/ovarian cancer (PMID: 27153395 (2016)). This variant also segregated with disease in two of the families with pheochromocytoma (PMIDs: 39545024 (2024), 14722919 (2004)). Experimental studies indicate this variant did not affect VHL-associated hypoxia-inducible factor (HIFa) degradation (PMID: 30105105 (2018)), but showed loss of function effects in a saturation genome editing assay (PMID: 38969834 (2024)). The frequency of this variant in the general population (Genome Aggregation Database) is consistent with pathogenicity. Analysis of this variant using bioinformatics tools for the prediction of the effect of amino acid changes on protein structure and function yielded predictions that this variant is damaging. Based on the available information, this variant is classified as pathogenic.

Women's Health and Genetics/Laboratory Corporation of America, LabCorp
Classification: Likely pathogenic for Von Hippel-Lindau syndrome. Last evaluated: 2024-11-22. Review status: criteria provided, single submitter. Criteria: LabCorp Variant Classification Summary - May 2015. Collection method: clinical testing. Allele origin: germline.
Comment: Variant summary: VHL c.524A>G (p.Tyr175Cys) results in a non-conservative amino acid change located in the von Hippel-Landau (pVHL) tumor suppressor protein domain ( IPR022772) of the encoded protein sequence. Five of five in-silico tools predict a damaging effect of the variant on protein function. The variant was absent in 251636 control chromosomes. c.524A>G has been reported in the literature in individuals affected with a personal and/or family history of VHL-associated tumors, erythrocytosis and von Hippel-Lindau (VHL) syndrome (example, Ruiz-Llorente_2004, Bento_2005, Astapova_2018, Internal testing). These data indicate that the variant is likely to be associated with disease. Two publications report experimental evidence evaluating an impact on protein function, however, none of these studies allows convincing conclusions about the variant effect (example, Ruiz-Llorente_2004 and Patil_2013). The following publications have been ascertained in the context of this evaluation (PMID: 30105105, 23859443, 15642680, 19258401, 23255108, 16210343, 14722919, 17640059, 23660872). ClinVar contains an entry for this variant (Variation ID: 36905). Based on the evidence outlined above, the variant was classified as likely pathogenic.

Ambry Genetics
Classification: Pathogenic for Hereditary cancer-predisposing syndrome. Last evaluated: 2024-04-19. Review status: criteria provided, single submitter. Criteria: Ambry Variant Classification Scheme 2023. Collection method: clinical testing. Allele origin: germline.
Comment: The p.Y175C pathogenic mutation(also known as c.524A>G), located in coding exon 3 of the VHL gene, results from an A to G substitution at nucleotide position 524. The tyrosine at codon 175 is replaced by cysteine, an amino acid with highly dissimilar properties. In one study, this alteration was described in a patient with a personal and family history of pheochromocytoma, and was reported to segregate with disease in this family (Ruiz-Llorente S et al. Hum. Mutat. 2004;23(2):160-9). This alteration has been identified in several patients with VHL-related tumors (de Cubas AA et al. Endocr. Relat. Cancer 2013 Aug; 20(4):477-93; Ambry internal data). One publication suggests that the p.Y175C alteration may be considered "borderline," with a loss of function insufficient to induce renal cancer but still capable to cause pheochromocytoma (Couv&eacute; S et al. Cancer Res. 2014 Nov; 74(22):6554-64). Further, a similar alteration at the same location, p.Y175N (c.523T>A), has been described in an individual with multiple hemangioblastomas and bilateral pheochromocytoma (Ruiz-Llorente S et al. Hum. Mutat. 2004;23(2):160-9). Of note, some literature suggests the p.Y175C alteration may be associated with erythrocytosis. However, the alteration was found to be inherited from the father, who was reported to have normal hematological parameters; this patient also had a diagnosis of ataxia&ndash;telangiectasia (Bento C et al. Eur. J. Haematol. 2013 Oct; 91(4):361-8). Based on internal structural analysis, this variant is anticipated to result in a significant decrease in structural stability (Van Molle I et al. Chem. Biol., 2012 Oct;19:1300-12; Ambry internal data). This amino acid position is highly conserved in available vertebrate species. In addition, this alteration is predicted to be deleterious by in silico analysis. Based on the supporting evidence, this alteration is interpreted as a disease-causing mutation.

GeneDx
Classification: Likely pathogenic. Last evaluated: 2023-10-11. Review status: criteria provided, single submitter. Criteria: GeneDx Variant Classification Process June 2021. Collection method: clinical testing. Allele origin: germline. Affected: yes.
Comment: Variant was paternally inherited in an individual with congenital polycythemia and ataxia-telangiectasia in published literature, in which a second pathogenic variant was not detected (Bento et al., 2005); In silico analysis, which includes protein predictors and evolutionary conservation, supports a deleterious effect; Not observed at significant frequency in large population cohorts (gnomAD); This variant is associated with the following publications: (PMID: 23660872, 18538455, 30105105, 25371412, 17640059, 16969113, 16210343, 31149315, 24115288, 15642681, 17454194, 28620007, 23859443, 24969085, 34566400, 14722919, 34439168, 15642680, 30943211)

Labcorp Genetics (formerly Invitae), Labcorp
Classification: Pathogenic for Von Hippel-Lindau syndrome; Chuvash polycythemia. Last evaluated: 2023-10-10. Review status: criteria provided, single submitter. Criteria: Invitae Variant Classification Sherloc (09022015). Collection method: clinical testing. Allele origin: germline.
Comment: This sequence change replaces tyrosine, which is neutral and polar, with cysteine, which is neutral and slightly polar, at codon 175 of the VHL protein (p.Tyr175Cys). This variant is not present in population databases (gnomAD no frequency). This missense change has been observed in individuals with a personal and/or family history of VHL-associated tumors, erythrocytosis and von Hippel-Lindau (VHL) syndrome (PMID: 14722919, 23859443, 30105105; Invitae). It has also been observed to segregate with disease in related individuals. ClinVar contains an entry for this variant (Variation ID: 36905). Advanced modeling of protein sequence and biophysical properties (such as structural, functional, and spatial information, amino acid conservation, physicochemical variation, residue mobility, and thermodynamic stability) performed at Invitae indicates that this missense variant is expected to disrupt VHL protein function. This variant disrupts the p.Tyr175 amino acid residue in VHL. Other variant(s) that disrupt this residue have been observed in individuals with VHL-related conditions (PMID: 14722919), which suggests that this may be a clinically significant amino acid residue. For these reasons, this variant has been classified as Pathogenic.

Literature cited by the submitters: PubMed 15642680 (cited by Women's Health and Genetics/Laboratory Corporation of America, LabCorp and Ambry Genetics); PubMed 16210343 (cited by Women's Health and Genetics/Laboratory Corporation of America, LabCorp and Ambry Genetics); PubMed 14722919 (cited by 3 submitters); PubMed 17640059 (cited by Women's Health and Genetics/Laboratory Corporation of America, LabCorp); PubMed 19258401 (cited by Women's Health and Genetics/Laboratory Corporation of America, LabCorp); PubMed 23859443 (cited by 3 submitters); PubMed 23660872 (cited by Women's Health and Genetics/Laboratory Corporation of America, LabCorp and Ambry Genetics); PubMed 23255108 (cited by Women's Health and Genetics/Laboratory Corporation of America, LabCorp); PubMed 30105105 (cited by 3 submitters); PubMed 16969113 (cited by Ambry Genetics); PubMed 23102223 (cited by Ambry Genetics); PubMed 24115288 (cited by Ambry Genetics); PubMed 24969085 (cited by Ambry Genetics); PubMed 25371412 (cited by Ambry Genetics); PubMed 30943211 (cited by Ambry Genetics); PubMed 31149315 (cited by Ambry Genetics).